The following is an entry in ClinVar:

NM_005045.4(RELN):c.5753A>G (p.Gln1918Arg)

Gene: RELN (reelin; minus strand). Cytogenetic location: 7q22.1.
Variant type: single nucleotide variant.
Coding change: c.5753A>G on transcript NM_005045.4 (MANE Select); coding-DNA position 5753, A replaced by G.
Protein change: p.Gln1918Arg; replaces glutamine 1918 with arginine.
Molecular consequence: missense variant.
Genome position (GRCh38, 1-based): chr7:103,557,021, T>C on the plus strand (A>G on the coding strand, the complement: RELN is on the minus strand). VCF-style: chr7-103557021-T-C. GRCh37 (hg19) VCF-style: chr7-103197468-T-C.
Other names: c.5753A>G, p.Gln1918Arg (NM_173054.3); short protein forms Q1918R.
Identifiers: ClinVar variation 960037 (VCV000960037.9), dbSNP rs1830538254, ClinGen allele CA368741339.

ClinVar aggregate classification (germline): Uncertain significance (1 of 4 stars; one submission).

Conditions:
Familial temporal lobe epilepsy 7. Identifiers: Orphanet 101046, MedGen C4225327, MONDO:0014639, OMIM 616436.
Norman-Roberts syndrome (LIS2). Also called: Lissencephaly 2 (Norman-Roberts type). Identifiers: Orphanet 89844, MedGen C0796089, MONDO:0009760, OMIM 257320.

Submission:

Labcorp Genetics (formerly Invitae), Labcorp
Classification: Uncertain significance for Familial temporal lobe epilepsy 7; Norman-Roberts syndrome. Last evaluated: 2022-02-10. Review status: criteria provided, single submitter. Criteria: Invitae Variant Classification Sherloc (09022015). Collection method: clinical testing. Allele origin: germline.
Comment: In summary, the available evidence is currently insufficient to determine the role of this variant in disease. Therefore, it has been classified as a Variant of Uncertain Significance. Algorithms developed to predict the effect of missense changes on protein structure and function are either unavailable or do not agree on the potential impact of this missense change (SIFT: "Deleterious"; PolyPhen-2: "Benign"; Align-GVGD: "Class C0"). ClinVar contains an entry for this variant (Variation ID: 960037). This variant has not been reported in the literature in individuals affected with RELN-related conditions. This variant is not present in population databases (gnomAD no frequency). This sequence change replaces glutamine, which is neutral and polar, with arginine, which is basic and polar, at codon 1918 of the RELN protein (p.Gln1918Arg).